The following is an entry in ClinVar:

NM_000070.3(CAPN3):c.184G>A (p.Glu62Lys)

Gene: CAPN3 (calpain 3; plus strand). Cytogenetic location: 15q15.1.
Variant type: single nucleotide variant.
Coding change: c.184G>A on transcript NM_000070.3 (MANE Select); coding-DNA position 184, G replaced by A.
Protein change: p.Glu62Lys; replaces glutamic acid 62 with lysine.
Molecular consequence: missense variant.
Genome position (GRCh38, 1-based): chr15:42,359,989, G>A. VCF-style: chr15-42359989-G-A. GRCh37 (hg19) VCF-style: chr15-42652187-G-A.
Other names: c.184G>A, p.Glu62Lys (NM_024344.2, NM_173087.2); short protein forms E62K.
Identifiers: ClinVar variation 965091 (VCV000965091.7), dbSNP rs370422576, ClinGen allele CA7510871.

ClinVar aggregate classification (germline): Uncertain significance. Review status: criteria provided, multiple submitters, no conflicts (2 of 4 stars). 3 submissions from 3 submitters: Uncertain significance (2). 1 of the submissions does not count toward it. Last evaluated 2026-02-01.

Conditions:
Autosomal recessive limb-girdle muscular dystrophy type 2A (LGMDR1). Also called: Limb-girdle muscular dystrophy, type 2A; Calpainopathy; Muscular dystrophy, limb-girdle, type 2A, Amish; LEYDEN-MOEBIUS MUSCULAR DYSTROPHY; MUSCULAR DYSTROPHY, PELVOFEMORAL. Identifiers: Orphanet 267, MedGen C1869123, MONDO:0009675, OMIM 253600. Disease mechanism: loss of function.

Allele frequency attached by ClinVar (database versions not stated): ExAC 0.00001; gnomAD exomes 0.00002; TOPMed 0.00003; gnomAD 0.00005; ESP Exome Variant Server 0.00008.
gnomAD v4.1: 45 of 1,614,174 alleles (0.0028%); highest among the groups gnomAD compares: South Asian, 0.0033%; no homozygotes.

Submissions (3):

Labcorp Genetics (formerly Invitae), Labcorp
Classification: Uncertain significance for Autosomal recessive limb-girdle muscular dystrophy type 2A. Last evaluated: 2026-02-01. Review status: criteria provided, single submitter. Criteria: Invitae Variant Classification Sherloc (09022015). Collection method: clinical testing. Allele origin: germline.
Comment: This sequence change replaces glutamic acid, which is acidic and polar, with lysine, which is basic and polar, at codon 62 of the CAPN3 protein (p.Glu62Lys). This variant is present in population databases (rs370422576, gnomAD 0.003%). This variant has not been reported in the literature in individuals affected with CAPN3-related conditions. ClinVar contains an entry for this variant (Variation ID: 965091). Invitae Evidence Modeling of protein sequence and biophysical properties (such as structural, functional, and spatial information, amino acid conservation, physicochemical variation, residue mobility, and thermodynamic stability) indicates that this missense variant is not expected to disrupt CAPN3 protein function with a negative predictive value of 80%. In summary, the available evidence is currently insufficient to determine the role of this variant in disease. Therefore, it has been classified as a Variant of Uncertain Significance.

Blueprint Genetics
Classification: Uncertain significance. Last evaluated: 2023-03-30. Review status: criteria provided, single submitter. Criteria: ACMG Guidelines, 2015. Collection method: clinical testing. Allele origin: germline.

Natera, Inc.
Classification: Uncertain significance for Limb-girdle muscular dystrophy type 2A. Last evaluated: 2020-04-17. Review status: no assertion criteria provided. Collection method: clinical testing. Allele origin: germline. Not counted in ClinVar's aggregate classification.